The following is an entry in ClinVar:

NM_001379291.1(BRD4):c.1219_1220delinsAA (p.Leu407Lys)

Gene: BRD4 (bromodomain containing 4; minus strand). Cytogenetic location: 19p13.12.
Variant type: Indel.
Coding change: c.1219_1220delinsAA on transcript NM_001379291.1 (MANE Select); coding-DNA positions 1219 to 1220, CT replaced by AA.
Protein change: p.Leu407Lys; replaces leucine 407 with lysine.
Molecular consequence: missense variant.
Genome position (GRCh38, 1-based): chr19:15,263,541-15,263,542, AG replaced by TT on the plus strand (CT replaced by AA on the coding strand, the reverse complement: BRD4 is on the minus strand). VCF-style: chr19-15263541-AG-TT. GRCh37 (hg19) VCF-style: chr19-15374352-AG-TT.
Other names: c.1219_1220delinsAA, p.Leu407Lys (NM_001330384.2, NM_001379292.1, NM_014299.3 and 1 more transcripts); short protein forms L407K.
Identifiers: ClinVar variation 4082954 (VCV004082954.1).
Genomic context (GRCh38, chr19:15,263,541, plus strand): 5'-GAGAACATCAATCGGACGTCAGCACCAAACTCCTGAGCATCACGGTACTCACGGGCCTCC[AG>TT]TTTAGACTGGAAAACAAGACAAGTCCCTGTTAGCTGTGTCTGCCCATGTGACCATGGAGA-3'
Protein context (NP_001366220.1, residues 397-417): PMDMSTIKSK[Leu407Lys]EAREYRDAQE

ClinVar aggregate classification (germline): Uncertain significance (1 of 4 stars; one submission).

Submission:

GeneDx
Classification: Uncertain significance. Last evaluated: 2025-03-04. Review status: criteria provided, single submitter. Criteria: GeneDx Variant Classification Process June 2021. Collection method: clinical testing. Allele origin: germline. Affected: yes.
Comment: Not observed at significant frequency in large population cohorts (gnomAD); In silico analysis supports a deleterious effect on protein structure/function; Has not been previously published as pathogenic or benign to our knowledge